The following is an entry in ClinVar:

ClinVar aggregate classification (germline): Uncertain significance (1 of 4 stars; one submission).

Allele frequency attached by ClinVar (database versions not stated): gnomAD 0.00092; ExAC 0.00107; TOPMed 0.00110; ESP Exome Variant Server 0.00146; gnomAD exomes 0.00214.
gnomAD v4.1: 3,201 of 1,613,448 alleles (0.2%); highest among the groups gnomAD compares: Non-Finnish European, 0.26%; 4 homozygotes.

Submission:

Ambry Genetics
Classification: Uncertain significance. Last evaluated: 2021-10-18. Review status: criteria provided, single submitter. Criteria: Ambry Variant Classification Scheme 2023. Collection method: clinical testing. Allele origin: germline.
Comment: The c.1598C>T (p.P533L) alteration is located in exon (coding exon ) of the SH3RF3 gene. This alteration results from a C to T substitution at nucleotide position 1598, causing the proline (P) at amino acid position 533 to be replaced by a leucine (L). Based on insufficient or conflicting evidence, the clinical significance of this alteration remains unclear.

NM_001099289.3(SH3RF3):c.1598C>T (p.Pro533Leu)

Genes: RANBP2 (RAN binding protein 2; plus strand), SH3RF3 (SH3 domain containing ring finger 3; plus strand). Cytogenetic location: 2q13.
Variant type: single nucleotide variant.
Coding change: c.1598C>T on transcript NM_001099289.3 (MANE Select); coding-DNA position 1598, C replaced by T.
Protein change: p.Pro533Leu; replaces proline 533 with leucine.
Molecular consequence: missense variant.
Genome position (GRCh38, 1-based): chr2:109,436,916, C>T. VCF-style: chr2-109436916-C-T. GRCh37 (hg19) VCF-style: chr2-110053372-C-T.
Other names: short protein forms P533L.
Identifiers: ClinVar variation 2343015 (VCV002343015.2), dbSNP rs199936909, ClinGen allele CA1825708.